The following is an entry in ClinVar:

ClinVar aggregate classification (germline): Pathogenic (1 of 4 stars; one submission).

Allele frequency attached by ClinVar (database versions not stated): TOPMed below 0.00001; gnomAD 0.00001.
gnomAD v4.1: 1 of 1,592,652 alleles (0.000063%); highest among the groups gnomAD compares: Non-Finnish European, 0.000086%; no homozygotes.

Submission:

Labcorp Genetics (formerly Invitae), Labcorp
Classification: Pathogenic. Last evaluated: 2024-01-12. Review status: criteria provided, single submitter. Criteria: Invitae Variant Classification Sherloc (09022015). Collection method: clinical testing. Allele origin: germline.
Comment: This sequence change creates a premature translational stop signal (p.Tyr1349*) in the EPRS gene. It is expected to result in an absent or disrupted protein product. Loss-of-function variants in EPRS are known to be pathogenic (PMID: 29576217). This variant is not present in population databases (gnomAD no frequency). This variant has not been reported in the literature in individuals affected with EPRS-related conditions. For these reasons, this variant has been classified as Pathogenic.

Literature cited by the submitters: PubMed 29576217.

NM_004446.3(EPRS1):c.4047T>G (p.Tyr1349Ter)

Gene: EPRS1 (glutamyl-prolyl-tRNA synthetase 1; minus strand). Cytogenetic location: 1q41.
Variant type: single nucleotide variant.
Coding change: c.4047T>G on transcript NM_004446.3 (MANE Select); coding-DNA position 4047, T replaced by G.
Protein change: p.Tyr1349Ter; replaces tyrosine 1349 with a stop codon.
Molecular consequence: nonsense.
Genome position (GRCh38, 1-based): chr1:219,978,582, A>C on the plus strand (T>G on the coding strand, the complement: EPRS1 is on the minus strand). VCF-style: chr1-219978582-A-C. GRCh37 (hg19) VCF-style: chr1-220151924-A-C.
Other names: short protein forms Y1349*.
Identifiers: ClinVar variation 3009472 (VCV003009472.3), dbSNP rs1398945915, ClinGen allele CA344629816.
Genomic context (GRCh38, chr1:219,978,582, plus strand): 5'-AAAAGATAAAGCTTAGGAATTTACCTTGAGCTCCCAGTGATTGAATTTCCAACCTGGAGA[A>C]TAATTATCTCGTAAATCAGCTCTAACGCGGATGTTAACACTGAGTAATCGCCTTCGATAA-3'